The following is an entry in ClinVar:

ClinVar aggregate classification (germline): Uncertain significance (1 of 4 stars; one submission).

Allele frequency attached by ClinVar (database versions not stated): gnomAD exomes below 0.00001.
gnomAD v4.1: 2 of 1,611,532 alleles (0.00012%); highest among the groups gnomAD compares: Non-Finnish European, 0.00017%; no homozygotes.

Submission:

Labcorp Genetics (formerly Invitae), Labcorp
Classification: Uncertain significance. Last evaluated: 2021-10-13. Review status: criteria provided, single submitter. Criteria: Invitae Variant Classification Sherloc (09022015). Collection method: clinical testing. Allele origin: germline.
Comment: This sequence change replaces proline with leucine at codon 3165 of the SRCAP protein (p.Pro3165Leu). The proline residue is moderately conserved and there is a moderate physicochemical difference between proline and leucine. This variant is not present in population databases (ExAC no frequency). This variant has not been reported in the literature in individuals affected with SRCAP-related conditions. Algorithms developed to predict the effect of missense changes on protein structure and function are either unavailable or do not agree on the potential impact of this missense change (SIFT: "Deleterious"; PolyPhen-2: "Not Available"; Align-GVGD: "Class C0"). In summary, the available evidence is currently insufficient to determine the role of this variant in disease. Therefore, it has been classified as a Variant of Uncertain Significance.

NM_006662.3(SRCAP):c.9494C>T (p.Pro3165Leu)

Gene: SRCAP (Snf2 related CREBBP activator protein; plus strand). Cytogenetic location: 16p11.2.
Variant type: single nucleotide variant.
Coding change: c.9494C>T on transcript NM_006662.3 (MANE Select); coding-DNA position 9494, C replaced by T.
Protein change: p.Pro3165Leu; replaces proline 3165 with leucine.
Molecular consequence: missense variant.
Genome position (GRCh38, 1-based): chr16:30,739,534, C>T. VCF-style: chr16-30739534-C-T. GRCh37 (hg19) VCF-style: chr16-30750855-C-T.
Other names: short protein forms P3165L.
Identifiers: ClinVar variation 1407073 (VCV001407073.6), dbSNP rs1047866378, ClinGen allele CA280525884.